The following is an entry in ClinVar:

ClinVar aggregate classification (germline): Uncertain significance (1 of 4 stars; one submission).

Allele frequency attached by ClinVar (database versions not stated): gnomAD exomes below 0.00001.

Submission:

GeneDx
Classification: Uncertain significance. Last evaluated: 2026-08-12. Review status: criteria provided, single submitter. Criteria: GeneDx Variant Classification Process June 2021. Collection method: clinical testing. Allele origin: germline.
Comment: In silico analysis suggests that this missense variant does not alter protein structure/function; Has not been previously published as pathogenic or benign to our knowledge

NM_018026.4(PACS1):c.1199A>G (p.Lys400Arg)

Gene: PACS1 (phosphofurin acidic cluster sorting protein 1; plus strand). Cytogenetic location: 11q13.2.
Variant type: single nucleotide variant.
Coding change: c.1199A>G on transcript NM_018026.4 (MANE Select); coding-DNA position 1199, A replaced by G.
Protein change: p.Lys400Arg; replaces lysine 400 with arginine.
Molecular consequence: missense variant.
Genome position (GRCh38, 1-based): chr11:66,220,791, A>G. VCF-style: chr11-66220791-A-G. GRCh37 (hg19) VCF-style: chr11-65988262-A-G.
Other names: short protein forms K400R.
Identifiers: ClinVar variation 1310409 (VCV001310409.3), dbSNP rs1157774928, ClinGen allele CA381359065.
Genomic context (GRCh38, chr11:66,220,791, plus strand): 5'-ACAGTGGCCCTGAGATGGAGGAGACAGAAAGCATCCTCAGCACGCCAAAGCCCAAGCTCA[A>G]GTGAGCCCCCCTCTCTGTAGCTGGCCTCCAGACTCTCCTTCCTGGCCATAGCAGTCTCCT-3'
Protein context (NP_060496.2, residues 390-410): SILSTPKPKL[Lys400Arg]PFFEGMSQSS